The following is an entry in ClinVar:

NM_002519.3(NPAT):c.3764C>T (p.Ser1255Leu)

Gene: NPAT (nuclear protein, coactivator of histone transcription; minus strand). Cytogenetic location: 11q22.3.
Variant type: single nucleotide variant.
Coding change: c.3764C>T on transcript NM_002519.3 (MANE Select); coding-DNA position 3764, C replaced by T.
Protein change: p.Ser1255Leu; replaces serine 1255 with leucine.
Molecular consequence: missense variant.
Genome position (GRCh38, 1-based): chr11:108,161,322, G>A on the plus strand (C>T on the coding strand, the complement: NPAT is on the minus strand). VCF-style: chr11-108161322-G-A. GRCh37 (hg19) VCF-style: chr11-108032049-G-A.
Other names: c.3785C>T, p.Ser1262Leu (NM_001321307.1); short protein forms S1255L, S1262L.
Identifiers: ClinVar variation 1734702 (VCV001734702.5), dbSNP rs2496694739, ClinGen allele CA382510094.

ClinVar aggregate classification (germline): Uncertain significance. Review status: criteria provided, multiple submitters, no conflicts (2 of 4 stars). 2 submissions from 2 submitters: Uncertain significance (2). Last evaluated 2023-11-04.

Allele frequency attached by ClinVar (database versions not stated): gnomAD exomes below 0.00001.
gnomAD v4.1: 7 of 1,614,160 alleles (0.00043%); highest among the groups gnomAD compares: Non-Finnish European, 0.00059%; no homozygotes.

Submissions (2):

Ambry Genetics
Classification: Uncertain significance. Last evaluated: 2023-11-04. Review status: criteria provided, single submitter. Criteria: Ambry Variant Classification Scheme 2023. Collection method: clinical testing. Allele origin: germline.
Comment: The p.S1255L variant (also known as c.3764C>T), located in coding exon 17 of the NPAT gene, results from a C to T substitution at nucleotide position 3764. The serine at codon 1255 is replaced by leucine, an amino acid with dissimilar properties. This amino acid position is conserved. In addition, this alteration is predicted to be tolerated by in silico analysis. Since supporting evidence is limited at this time, the clinical significance of this alteration remains unclear.

Labcorp Genetics (formerly Invitae), Labcorp
Classification: Uncertain significance. Last evaluated: 2023-04-29. Review status: criteria provided, single submitter. Criteria: Invitae Variant Classification Sherloc (09022015). Collection method: clinical testing. Allele origin: germline.
Comment: In summary, the available evidence is currently insufficient to determine the role of this variant in disease. Therefore, it has been classified as a Variant of Uncertain Significance. An algorithm developed to predict the effect of missense changes on protein structure and function (PolyPhen-2) suggests that this variant is likely to be tolerated. ClinVar contains an entry for this variant (Variation ID: 1734702). This variant has not been reported in the literature in individuals affected with NPAT-related conditions. This variant is not present in population databases (gnomAD no frequency). This sequence change replaces serine, which is neutral and polar, with leucine, which is neutral and non-polar, at codon 1255 of the NPAT protein (p.Ser1255Leu).